The following is an entry in ClinVar:

ClinVar aggregate classification (germline): Uncertain significance. Review status: criteria provided, multiple submitters, no conflicts (2 of 4 stars). 2 submissions from 2 submitters: Uncertain significance (2). Last evaluated 2025-06-09.

Conditions:
Arterial tortuosity syndrome (ATORS). Identifiers: Orphanet 3342, MedGen C1859726, MONDO:0008818, OMIM 208050.
Familial thoracic aortic aneurysm and aortic dissection (TAAD). Also called: Thoracic aortic aneurysms and dissections. Identifiers: Orphanet 91387, MedGen C4707243, MONDO:0019625.

Allele frequency attached by ClinVar (database versions not stated): gnomAD exomes below 0.00001; TOPMed below 0.00001; gnomAD 0.00001.

Submissions (2):

Ambry Genetics
Classification: Uncertain significance for Familial thoracic aortic aneurysm and aortic dissection. Last evaluated: 2025-06-09. Review status: criteria provided, single submitter. Criteria: Ambry Variant Classification Scheme 2023. Collection method: clinical testing. Allele origin: germline.

Labcorp Genetics (formerly Invitae), Labcorp
Classification: Uncertain significance for Arterial tortuosity syndrome. Last evaluated: 2021-08-19. Review status: criteria provided, single submitter. Criteria: Invitae Variant Classification Sherloc (09022015). Collection method: clinical testing. Allele origin: germline.
Comment: In summary, the available evidence is currently insufficient to determine the role of this variant in disease. Therefore, it has been classified as a Variant of Uncertain Significance. Advanced modeling of protein sequence and biophysical properties (such as structural, functional, and spatial information, amino acid conservation, physicochemical variation, residue mobility, and thermodynamic stability) performed at Invitae indicates that this missense variant is not expected to disrupt SLC2A10 protein function. This variant has not been reported in the literature in individuals affected with SLC2A10-related conditions. This variant is not present in population databases (ExAC no frequency). This sequence change replaces alanine with threonine at codon 87 of the SLC2A10 protein (p.Ala87Thr). The alanine residue is highly conserved and there is a small physicochemical difference between alanine and threonine.

NM_030777.4(SLC2A10):c.259G>A (p.Ala87Thr)

Gene: SLC2A10 (solute carrier family 2 member 10; plus strand). Cytogenetic location: 20q13.12.
Variant type: single nucleotide variant.
Coding change: c.259G>A on transcript NM_030777.4 (MANE Select); coding-DNA position 259, G replaced by A.
Protein change: p.Ala87Thr; replaces alanine 87 with threonine.
Molecular consequence: missense variant.
Genome position (GRCh38, 1-based): chr20:46,725,295, G>A. VCF-style: chr20-46725295-G-A. GRCh37 (hg19) VCF-style: chr20-45353934-G-A.
Other names: c.259G>A (NM_030777.3); short protein forms A87T.
Identifiers: ClinVar variation 1517005 (VCV001517005.7), dbSNP rs1319096126, ClinGen allele CA409266665.